The following is an entry in ClinVar:

ClinVar aggregate classification (germline): Uncertain significance (1 of 4 stars; one submission).

Conditions:
Long QT syndrome (LQTS). Identifiers: MedGen C0023976, MeSH D008133, MONDO:0002442. Disease mechanism: loss of function. Inheritance: Various modes of inheritance.

Allele frequency attached by ClinVar (database versions not stated): ExAC 0.00002; gnomAD exomes 0.00011; TOPMed 0.00028; gnomAD 0.00034 and 0.00036.
gnomAD v4.1: 79 of 1,613,834 alleles (0.0049%); highest among the groups gnomAD compares: Admixed American, 0.13%; no homozygotes.

Submission:

Labcorp Genetics (formerly Invitae), Labcorp
Classification: Uncertain significance for Long QT syndrome. Last evaluated: 2023-08-14. Review status: criteria provided, single submitter. Criteria: Invitae Variant Classification Sherloc (09022015). Collection method: clinical testing. Allele origin: germline.
Comment: This variant has not been reported in the literature in individuals affected with SNTA1-related conditions. This sequence change replaces threonine, which is neutral and polar, with lysine, which is basic and polar, at codon 288 of the SNTA1 protein (p.Thr288Lys). This variant is present in population databases (rs750525497, gnomAD 0.07%), and has an allele count higher than expected for a pathogenic variant. ClinVar contains an entry for this variant (Variation ID: 1520726). An algorithm developed to predict the effect of missense changes on protein structure and function (PolyPhen-2) suggests that this variant is likely to be tolerated. In summary, the available evidence is currently insufficient to determine the role of this variant in disease. Therefore, it has been classified as a Variant of Uncertain Significance.

NM_003098.3(SNTA1):c.863C>A (p.Thr288Lys)

Gene: SNTA1 (syntrophin alpha 1; minus strand). Cytogenetic location: 20q11.21.
Variant type: single nucleotide variant.
Coding change: c.863C>A on transcript NM_003098.3 (MANE Select); coding-DNA position 863, C replaced by A.
Protein change: p.Thr288Lys; replaces threonine 288 with lysine.
Molecular consequence: missense variant.
Genome position (GRCh38, 1-based): chr20:33,412,621, G>T on the plus strand (C>A on the coding strand, the complement: SNTA1 is on the minus strand). VCF-style: chr20-33412621-G-T. GRCh37 (hg19) VCF-style: chr20-32000427-G-T.
Other names: short protein forms T288K.
Identifiers: ClinVar variation 1520726 (VCV001520726.8), dbSNP rs750525497, ClinGen allele CA9817119.
Genomic context (GRCh38, chr20:33,412,621, plus strand): 5'-GGCCCAGCAGGTACCTGCTCAGTTAGCCAGCCAATCTGCTTGATGTCCTGGCTCCCAGCT[G>T]TGCTGGTGGCTGCCAACAGTGCCTGCAGCTCATCCTTGACCCGCGGCGTCAGAGTATTGA-3'
Protein context (NP_003089.1, residues 278-298): ELQALLAATS[Thr288Lys]AGSQDIKQIG